The following is an entry in ClinVar:

ClinVar aggregate classification (germline): Uncertain significance (1 of 4 stars; one submission).

Submission:

GeneDx
Classification: Uncertain significance. Last evaluated: 2024-12-23. Review status: criteria provided, single submitter. Criteria: GeneDx Variant Classification Process June 2021. Collection method: clinical testing. Allele origin: germline. Affected: yes.
Comment: Not observed at significant frequency in large population cohorts (gnomAD); In silico analysis supports that this missense variant has a deleterious effect on protein structure/function; Has not been previously published as pathogenic or benign to our knowledge

NM_003106.4(SOX2):c.877C>T (p.His293Tyr)

Genes: SOX2 (SRY-box transcription factor 2; plus strand), SOX2-OT (SOX2 overlapping transcript; plus strand). Cytogenetic location: 3q26.33.
Variant type: single nucleotide variant.
Coding change: c.877C>T on transcript NM_003106.4 (MANE Select); coding-DNA position 877, C replaced by T.
Protein change: p.His293Tyr; replaces histidine 293 with tyrosine.
Molecular consequence: missense variant.
Genome position (GRCh38, 1-based): chr3:181,713,237, C>T. VCF-style: chr3-181713237-C-T. GRCh37 (hg19) VCF-style: chr3-181431025-C-T.
Other names: short protein forms H293Y.
Identifiers: ClinVar variation 3906354 (VCV003906354.1).